The following is an entry in ClinVar:

ClinVar aggregate classification (germline): Uncertain significance. Review status: criteria provided, multiple submitters, no conflicts (2 of 4 stars). 2 submissions from 2 submitters: Uncertain significance (2). Last evaluated 2025-11-24.

Conditions:
Inborn genetic diseases. Identifiers: MedGen C0950123, MeSH D030342.

Allele frequency attached by ClinVar (database versions not stated): TOPMed 0.00002.
gnomAD v4.1: 4 of 1,551,150 alleles (0.00026%); highest among the groups gnomAD compares: Admixed American, 0.0079%; no homozygotes.

Submissions (2):

Ambry Genetics
Classification: Uncertain significance for Inborn genetic diseases. Last evaluated: 2025-11-24. Review status: criteria provided, single submitter. Criteria: Ambry Variant Classification Scheme 2023. Collection method: clinical testing. Allele origin: germline.

Labcorp Genetics (formerly Invitae), Labcorp
Classification: Uncertain significance. Last evaluated: 2021-10-14. Review status: criteria provided, single submitter. Criteria: Invitae Variant Classification Sherloc (09022015). Collection method: clinical testing. Allele origin: germline.
Comment: This sequence change replaces proline with serine at codon 1423 of the EYS protein (p.Pro1423Ser). The proline residue is moderately conserved and there is a moderate physicochemical difference between proline and serine. This variant is not present in population databases (ExAC no frequency). This variant has not been reported in the literature in individuals with EYS-related conditions. Algorithms developed to predict the effect of missense changes on protein structure and function (SIFT, PolyPhen-2, Align-GVGD) all suggest that this variant is likely to be tolerated, but these predictions have not been confirmed by published functional studies and their clinical significance is uncertain. In summary, the available evidence is currently insufficient to determine the role of this variant in disease. Therefore, it has been classified as a Variant of Uncertain Significance.

NM_001142800.2(EYS):c.4267C>T (p.Pro1423Ser)

Gene: EYS (EGF-like photoreceptor maintenance factor; minus strand). Cytogenetic location: 6q12.
Variant type: single nucleotide variant.
Coding change: c.4267C>T on transcript NM_001142800.2 (MANE Select); coding-DNA position 4267, C replaced by T.
Protein change: p.Pro1423Ser; replaces proline 1423 with serine.
Molecular consequence: missense variant.
Genome position (GRCh38, 1-based): chr6:64,591,600, G>A on the plus strand (C>T on the coding strand, the complement: EYS is on the minus strand). VCF-style: chr6-64591600-G-A. GRCh37 (hg19) VCF-style: chr6-65301493-G-A.
Other names: c.4267C>T (NM_001142800.1); c.4267C>T, p.Pro1423Ser (NM_001292009.2); short protein forms P1423S.
Identifiers: ClinVar variation 1432999 (VCV001432999.4), dbSNP rs763400165, ClinGen allele CA140340961.